The following is an entry in ClinVar:

ClinVar aggregate classification (germline): Uncertain significance (1 of 4 stars; one submission).

Conditions:
Donnai-Barrow syndrome. Also called: DBS/FOAR SYNDROME; FACIOOCULOACOUSTICORENAL SYNDROME. Identifiers: Orphanet 2143, MedGen C1857277, MONDO:0009104, OMIM 222448.

Submission:

Department of Clinical Genetics, Aarhus University Hospital
Classification: Uncertain significance for Donnai-Barrow syndrome. Review status: criteria provided, single submitter. Criteria: ACMG Guidelines, 2015. Collection method: clinical testing. Allele origin: germline. Affected: yes.
Comment: The variant was detected in homozygous state. The variant is not seen in the gnomAD 4.1 database. To our knowledge the variant has not been reported in individuals with DBS. Computational tools (REVEL) predicts the variant as pathogenic. According to the ACMG guidelines, this variant is interpreted as uncertain significance (PM2_supporting, PM3_supporting, PP3_moderate).

NM_004525.3(LRP2):c.4310T>C (p.Leu1437Pro)

Gene: LRP2 (LDL receptor related protein 2; minus strand). Cytogenetic location: 2q31.1.
Variant type: single nucleotide variant.
Coding change: c.4310T>C on transcript NM_004525.3 (MANE Select); coding-DNA position 4310, T replaced by C.
Protein change: p.Leu1437Pro; replaces leucine 1437 with proline.
Molecular consequence: missense variant.
Genome position (GRCh38, 1-based): chr2:169,238,287, A>G on the plus strand (T>C on the coding strand, the complement: LRP2 is on the minus strand). VCF-style: chr2-169238287-A-G. GRCh37 (hg19) VCF-style: chr2-170094797-A-G.
Other names: short protein forms L1437P.
Identifiers: ClinVar variation 4857865 (VCV004857865.1).
Genomic context (GRCh38, chr2:169,238,287, plus strand): 5'-TTGTGGACCTGGGAGGTGACACTGTCGGCAATAATTTTGTTCTGACTTGCCACAAGTAAC[A>G]GCAGACTCTCAGATGCTGTTCAAGAAAAAAATGCAAAAATGTCAATGATACTGGGAGAAA-3'
Protein context (NP_004516.2, residues 1427-1447): TCKVTASESL[Leu1437Pro]LLVASQNKII